The following is an entry in ClinVar:

NM_002677.5(PMP2):c.366C>T (p.Gly122=)

Gene: PMP2 (peripheral myelin protein 2; minus strand). Cytogenetic location: 8q21.13.
Variant type: single nucleotide variant.
Coding change: c.366C>T on transcript NM_002677.5 (MANE Select); coding-DNA position 366, C replaced by T.
Protein change: p.Gly122=; no amino-acid change (glycine 122 retained).
Molecular consequence: synonymous variant. On other transcripts: 3 prime UTR variant (1).
Genome position (GRCh38, 1-based): chr8:81,443,431, G>A on the plus strand (C>T on the coding strand, the complement: PMP2 is on the minus strand). VCF-style: chr8-81443431-G-A. GRCh37 (hg19) VCF-style: chr8-82355666-G-A.
Other names: p.Gly122=; c.*10C>T (NM_001348381.2).
Identifiers: ClinVar variation 1432741 (VCV001432741.7), dbSNP rs562725997, ClinGen allele CA4791889.

ClinVar aggregate classification (germline): Likely benign. Review status: criteria provided, multiple submitters, no conflicts (2 of 4 stars). 2 submissions from 2 submitters: Likely benign (2). Last evaluated 2025-10-01.

Allele frequency attached by ClinVar (database versions not stated): ExAC 0.00001; gnomAD 0.00002; gnomAD exomes 0.00002.
gnomAD v4.1: 28 of 1,599,254 alleles (0.0018%); highest among the groups gnomAD compares: Admixed American, 0.0034%; no homozygotes.

Submissions (2):

Labcorp Genetics (formerly Invitae), Labcorp
Classification: Likely benign. Last evaluated: 2025-10-01. Review status: criteria provided, single submitter. Criteria: Invitae Variant Classification Sherloc (09022015). Collection method: clinical testing. Allele origin: germline.

Mayo Clinic Laboratories, Mayo Clinic
Classification: Likely benign. Last evaluated: 2025-04-30. Review status: criteria provided, single submitter. Criteria: ACMG Guidelines, 2015. Collection method: clinical testing. Allele origin: germline. Observed: 1 variant allele.
Comment: BP4, BP7